The following is an entry in ClinVar:

NM_001267550.2(TTN):c.49223C>G (p.Thr16408Arg)

Genes: TTN (titin; minus strand), TTN-AS1 (TTN antisense RNA 1; plus strand), LOC126806426 (BRD4-independent group 4 enhancer GRCh37_chr2:179478848-179480047; plus strand). Cytogenetic location: 2q31.2.
Variant type: single nucleotide variant.
Coding change: c.49223C>G on transcript NM_001267550.2 (MANE Select); coding-DNA position 49223, C replaced by G.
Protein change: p.Thr16408Arg; replaces threonine 16408 with arginine.
Molecular consequence: missense variant. On other transcripts: non-coding transcript variant (1).
Genome position (GRCh38, 1-based): chr2:178,614,174, G>C on the plus strand (C>G on the coding strand, the complement: TTN is on the minus strand). VCF-style: chr2-178614174-G-C. GRCh37 (hg19) VCF-style: chr2-179478901-G-C.
Other names: c.44300C>G, p.Thr14767Arg (NM_001256850.1); c.22028C>G, p.Thr7343Arg (NM_003319.4); c.41519C>G, p.Thr13840Arg (NM_133378.4); c.22403C>G, p.Thr7468Arg (NM_133432.3); c.22604C>G, p.Thr7535Arg (NM_133437.4); short protein forms T13840R, T14767R, T16408R, T7343R, T7468R, T7535R.
Identifiers: ClinVar variation 3602425 (VCV003602425.1).
Genomic context (GRCh38, chr2:178,614,174, plus strand): 5'-TCTGCAGCAACTCTGAAGATGTACTCTTTATTGGGGATTAATTTGGTGGCCTTGAAGTTT[G>C]TATCCTTGACGGTGGATGAGAGCTTGTGCCACACTTCACTATCAGTTGCTCGTCTCTCCA-3'
Protein context (NP_001254479.2, residues 16398-16418): WHKLSSTVKD[Thr16408Arg]NFKATKLIPN

ClinVar aggregate classification (germline): Uncertain significance (1 of 4 stars; one submission).

Submission:

GeneDx
Classification: Uncertain significance. Last evaluated: 2024-07-30. Review status: criteria provided, single submitter. Criteria: GeneDx Variant Classification Process June 2021. Collection method: clinical testing. Allele origin: germline. Affected: yes.
Comment: Not observed at significant frequency in large population cohorts (gnomAD); Missense variant in a gene in which most reported pathogenic variants are truncating/loss of function; Has not been previously published as pathogenic or benign to our knowledge